The following is an entry in ClinVar:

NM_001184900.3(CARD8):c.1099C>A (p.Pro367Thr)

Gene: CARD8 (caspase recruitment domain family member 8; minus strand). Cytogenetic location: 19q13.33.
Variant type: single nucleotide variant.
Coding change: c.1099C>A on transcript NM_001184900.3 (MANE Select); coding-DNA position 1099, C replaced by A.
Protein change: p.Pro367Thr; replaces proline 367 with threonine.
Molecular consequence: missense variant. On other transcripts: non-coding transcript variant (3).
Genome position (GRCh38, 1-based): chr19:48,221,792, G>T on the plus strand (C>A on the coding strand, the complement: CARD8 is on the minus strand). VCF-style: chr19-48221792-G-T. GRCh37 (hg19) VCF-style: chr19-48725049-G-T.
Other names: c.949C>A, p.Pro317Thr (NM_001184901.1, NM_001351783.2, NM_001351788.2 and 2 more transcripts); c.1099C>A, p.Pro367Thr (NM_001184902.2, NM_001184903.1, NM_001351782.2); c.784C>A, p.Pro262Thr (NM_001351784.2, NM_001351787.2, NM_001351791.2 and 1 more transcripts); c.763C>A, p.Pro255Thr (NM_001351786.2); c.856C>A, p.Pro286Thr (NM_001351790.2); c.781C>A, p.Pro261Thr (NM_001365950.1); short protein forms P255T, P261T, P262T, P367T, P317T, P286T.
Identifiers: ClinVar variation 2006791 (VCV002006791.4), dbSNP rs2514277481, ClinGen allele CA406665283.

ClinVar aggregate classification (germline): Uncertain significance (1 of 4 stars; one submission).

Allele frequency attached by ClinVar (database versions not stated): gnomAD exomes below 0.00001.
gnomAD v4.1: 1 of 1,609,022 alleles (0.000062%); highest among the groups gnomAD compares: Non-Finnish European, 0.000085%; no homozygotes.

Submission:

Labcorp Genetics (formerly Invitae), Labcorp
Classification: Uncertain significance. Last evaluated: 2022-06-30. Review status: criteria provided, single submitter. Criteria: Invitae Variant Classification Sherloc (09022015). Collection method: clinical testing. Allele origin: germline.
Comment: In summary, the available evidence is currently insufficient to determine the role of this variant in disease. Therefore, it has been classified as a Variant of Uncertain Significance. Algorithms developed to predict the effect of missense changes on protein structure and function are either unavailable or do not agree on the potential impact of this missense change (SIFT: "Tolerated"; PolyPhen-2: "Probably Damaging"; Align-GVGD: "Class C0"). This variant has not been reported in the literature in individuals affected with CARD8-related conditions. This variant is not present in population databases (gnomAD no frequency). This sequence change replaces proline, which is neutral and non-polar, with threonine, which is neutral and polar, at codon 317 of the CARD8 protein (p.Pro317Thr).